The following is an entry in ClinVar:

NM_004168.4(SDHA):c.634_636delinsACC (p.Asp212Thr)

Gene: SDHA (succinate dehydrogenase complex flavoprotein subunit A; plus strand). Cytogenetic location: 5p15.33.
Variant type: Indel.
Coding change: c.634_636delinsACC on transcript NM_004168.4 (MANE Select); coding-DNA positions 634 to 636, GAT replaced by ACC.
Protein change: p.Asp212Thr; replaces aspartic acid 212 with threonine.
Molecular consequence: missense variant.
Genome position (GRCh38, 1-based): chr5:228,197-228,199, GAT replaced by ACC. VCF-style: chr5-228197-GAT-ACC. GRCh37 (hg19) VCF-style: chr5-228312-GAT-ACC.
Other names: c.490_492delinsACC, p.Asp164Thr (NM_001294332.2); c.634_636delinsACC, p.Asp212Thr (NM_001330758.2); short protein forms D212T, D164T.
Identifiers: ClinVar variation 2952093 (VCV002952093.3), dbSNP rs2477315039, ClinGen allele CA2740091606.

ClinVar aggregate classification (germline): Uncertain significance (1 of 4 stars; one submission).

Conditions:
Mitochondrial complex II deficiency, nuclear type 1. Also called: SUCCINATE CoQ REDUCTASE DEFICIENCY. Identifiers: Orphanet 3208, MedGen C5700310, MONDO:0100294, OMIM 252011.
Pheochromocytoma/paraganglioma syndrome 5. Also called: Paragangliomas 5; SDHA-Related Hereditary Paraganglioma-Pheochromocytoma Syndrome. Identifiers: Orphanet 29072, MedGen C3279992, MONDO:0013602, OMIM 614165.

Submission:

Labcorp Genetics (formerly Invitae), Labcorp
Classification: Uncertain significance for Pheochromocytoma/paraganglioma syndrome 5; Mitochondrial complex II deficiency, nuclear type 1. Last evaluated: 2023-09-20. Review status: criteria provided, single submitter. Criteria: Invitae Variant Classification Sherloc (09022015). Collection method: clinical testing. Allele origin: germline.
Comment: This sequence change replaces aspartic acid, which is acidic and polar, with threonine, which is neutral and polar, at codon 212 of the SDHA protein (p.Asp212Thr). The frequency data for this variant in the population databases is considered unreliable, as metrics indicate poor data quality at this position in the gnomAD database. This variant has not been reported in the literature in individuals affected with SDHA-related conditions. An algorithm developed to predict the effect of missense changes on protein structure and function (PolyPhen-2) suggests that this variant is likely to be tolerated. In summary, the available evidence is currently insufficient to determine the role of this variant in disease. Therefore, it has been classified as a Variant of Uncertain Significance.